The following is an entry in ClinVar:

NM_000143.4(FH):c.1398C>G (p.Asp466Glu)

Gene: FH (fumarate hydratase; minus strand). Cytogenetic location: 1q43.
Variant type: single nucleotide variant.
Coding change: c.1398C>G on transcript NM_000143.4 (MANE Select); coding-DNA position 1398, C replaced by G.
Protein change: p.Asp466Glu; replaces aspartic acid 466 with glutamic acid.
Molecular consequence: missense variant.
Genome position (GRCh38, 1-based): chr1:241,497,963, G>C on the plus strand (C>G on the coding strand, the complement: FH is on the minus strand). VCF-style: chr1-241497963-G-C. GRCh37 (hg19) VCF-style: chr1-241661263-G-C.
Other names: short protein forms D466E.
Identifiers: ClinVar variation 572018 (VCV000572018.13), dbSNP rs1558395525, ClinGen allele CA345451104.

ClinVar aggregate classification (germline): Uncertain significance. Review status: criteria provided, multiple submitters, no conflicts (2 of 4 stars). 3 submissions from 3 submitters: Uncertain significance (2). 1 of the submissions does not count toward it. Last evaluated 2026-02-22.

Conditions:
Hereditary cancer-predisposing syndrome. Also called: Neoplastic Syndromes, Hereditary; Hereditary neoplastic syndrome; Tumor predisposition; Hereditary Cancer Syndrome. Identifiers: Orphanet 140162, MedGen C0027672, MeSH D009386, MONDO:0015356.
Fumarase deficiency (FMRD). Also called: Fumaric aciduria; Fumarate Hydratase Deficiency. Identifiers: Orphanet 24, MedGen C0342770, MONDO:0011730, OMIM 606812.

Submissions (3):

Ambry Genetics
Classification: Uncertain significance for Hereditary cancer-predisposing syndrome. Last evaluated: 2026-02-22. Review status: criteria provided, single submitter. Criteria: Ambry Variant Classification Scheme 2023. Collection method: clinical testing. Allele origin: germline.
Comment: The p.D466E variant (also known as c.1398C>G), located in coding exon 10 of the FH gene, results from a C to G substitution at nucleotide position 1398. The aspartic acid at codon 466 is replaced by glutamic acid, an amino acid with highly similar properties. This amino acid position is conserved. In addition, the in silico prediction for this alteration is inconclusive. Based on the available evidence, the clinical significance of this variant remains unclear.

Labcorp Genetics (formerly Invitae), Labcorp
Classification: Uncertain significance. Last evaluated: 2026-01-18. Review status: criteria provided, single submitter. Criteria: Invitae Variant Classification Sherloc (09022015). Collection method: clinical testing. Allele origin: germline.
Comment: This sequence change replaces aspartic acid, which is acidic and polar, with glutamic acid, which is acidic and polar, at codon 466 of the FH protein (p.Asp466Glu). This variant is not present in population databases (gnomAD no frequency). This variant has not been reported in the literature in individuals affected with FH-related conditions. ClinVar contains an entry for this variant (Variation ID: 572018). Invitae Evidence Modeling of protein sequence and biophysical properties (such as structural, functional, and spatial information, amino acid conservation, physicochemical variation, residue mobility, and thermodynamic stability) has been performed for this missense variant. However, the output from this modeling did not meet the statistical confidence thresholds required to predict the impact of this variant on FH protein function. In summary, the available evidence is currently insufficient to determine the role of this variant in disease. Therefore, it has been classified as a Variant of Uncertain Significance.

Natera, Inc.
Classification: Uncertain significance for Fumarase Deficiency. Last evaluated: 2020-10-24. Review status: no assertion criteria provided. Collection method: clinical testing. Allele origin: germline. Not counted in ClinVar's aggregate classification.